The following is an entry in ClinVar:

NM_017534.6(MYH2):c.5630T>C (p.Leu1877Pro)

Genes: MYHAS (myosin heavy chain gene cluster antisense RNA; plus strand), MYH2 (myosin heavy chain 2; minus strand). Cytogenetic location: 17p13.1.
Variant type: single nucleotide variant.
Coding change: c.5630T>C on transcript NM_017534.6 (MANE Select); coding-DNA position 5630, T replaced by C.
Protein change: p.Leu1877Pro; replaces leucine 1877 with proline.
Molecular consequence: missense variant.
Genome position (GRCh38, 1-based): chr17:10,523,133, A>G on the plus strand (T>C on the coding strand, the complement: MYH2 is on the minus strand). VCF-style: chr17-10523133-A-G. GRCh37 (hg19) VCF-style: chr17-10426450-A-G.
Other names: c.5630T>C, p.Leu1877Pro (NM_001100112.2); short protein forms L1877P.
Identifiers: ClinVar variation 1301892 (VCV001301892.6), dbSNP rs2142289928, ClinGen allele CA398113897.

ClinVar aggregate classification (germline): Pathogenic/Likely pathogenic. Review status: criteria provided, multiple submitters, no conflicts (2 of 4 stars). 4 submissions from 4 submitters: Pathogenic (2); Likely pathogenic (2). Last evaluated 2025-06-09.

Conditions:
Myopathy, proximal, and ophthalmoplegia (CMYO6). Also called: CONGENITAL MYOPATHY 6 WITH OPHTHALMOPLEGIA; INCLUSION BODY MYOPATHY 3, AUTOSOMAL DOMINANT; MYOPATHY WITH CONGENITAL JOINT CONTRACTURES, OPHTHALMOPLEGIA, AND RIMMED VACUOLES. Identifiers: Orphanet 363677, Orphanet 79091, MedGen C1854106, MONDO:0011577, OMIM 605637.

Submissions (4):

Clinical Genetics Laboratory, Skane University Hospital Lund
Classification: Pathogenic for Myopathy, proximal, and ophthalmoplegia. Last evaluated: 2025-06-09. Review status: criteria provided, single submitter. Criteria: ACMG Guidelines, 2015. Collection method: clinical testing. Allele origin: de novo. Inheritance: Autosomal dominant inheritance. Affected: yes.
Comment: ACMG criteria used: PS2, PS4, PM2, PP2 och PP3.

Institute of Human Genetics, University of Leipzig Medical Center
Classification: Likely pathogenic for Myopathy, proximal, and ophthalmoplegia. Last evaluated: 2024-10-01. Review status: criteria provided, single submitter. Criteria: ACMG Guidelines, 2015. Collection method: clinical testing. Allele origin: de novo. Inheritance: Autosomal dominant inheritance. Affected: yes.

Laboratory of Medical Genetics, National & Kapodistrian University of Athens
Classification: Pathogenic for Myopathy, proximal, and ophthalmoplegia. Last evaluated: 2023-02-17. Review status: criteria provided, single submitter. Criteria: ACMG Guidelines, 2015. Collection method: clinical testing. Allele origin: de novo. Affected: yes.
Comment: PS2, PM2, PP3, PP5

Rady Children's Institute for Genomic Medicine, Rady Children's Hospital San Diego
Classification: Likely pathogenic for MYOPATHY, PROXIMAL, AND OPHTHALMOPLEGIA. Last evaluated: 2020-07-23. Review status: criteria provided, single submitter. Criteria: ACMG Guidelines, 2015. Collection method: clinical testing. Allele origin: germline. Affected: yes.
Comment: This variant has been previously reported as a de novo heterozygous change in one individual with distal and proximal muscle weakness, bulbar involvement, and ophthalmoplegia (PMID: 25529940). It is absent from the gnomAD population database and thus is presumed to be rare. The c.5630T>C (p.Leu1877Pro) variant affects a highly conserved amino acid and is predicted by multiple in silico tools to have a deleterious effect on protein function. Analysis of the parental samples was negative for the variant, indicating this variant likely occurred as a de novo event. Based on the available evidence, the c.5630T>C (p.Leu1877Pro) variant is classified as Likely Pathogenic.